The following is an entry in ClinVar:

ClinVar aggregate classification (germline): Uncertain significance (1 of 4 stars; one submission).

Submission:

ISCA Site 6
Classification: Uncertain significance. Last evaluated: 2011-08-12. Review status: criteria provided, single submitter. Criteria: Kaminsky et al. (Genet Med. 2011). Collection method: clinical testing. Allele origin: maternal. Affected: yes. Observed: 1 variant allele.
Comment: Copy number variation identified through the course of routine clinical cytogenomic testing in postnatal populations. Clinical assertions have been curated as described in Kaminsky et al. 2011.

GRCh38/hg38 13q12.12(chr13:22980339-24363444)x3

Genes: C1QTNF9 (C1q and TNF related 9; plus strand), C1QTNF9B (C1q and TNF related 9B; minus strand), LINC00327 (long intergenic non-protein coding RNA 327; plus strand), LINC00362 (long intergenic non-protein coding RNA 362; minus strand), LINC00566 (long intergenic non-protein coding RNA 566; plus strand) and 52 more. Cytogenetic location: 13q12.12.
Variant type: copy number gain.
Change: copy number 3 (three copies instead of two) of chr13:22,980,339-24,363,444 (1.38 Mb, GRCh38 coordinates, 1-based), cytogenetic band 13q12.12.
Identifiers: ClinVar variation 57579 (VCV000057579.2).